The following is an entry in ClinVar:

ClinVar aggregate classification (germline): Uncertain significance. Review status: criteria provided, multiple submitters, no conflicts (2 of 4 stars). 2 submissions from 2 submitters: Uncertain significance (2). Last evaluated 2021-12-24.

Conditions:
Hereditary cancer-predisposing syndrome. Also called: Hereditary Cancer Syndrome; Hereditary neoplastic syndrome; Tumor predisposition; Neoplastic Syndromes, Hereditary. Identifiers: Orphanet 140162, MedGen C0027672, MeSH D009386, MONDO:0015356.
Familial adenomatous polyposis 1 (FAP1). Also called: FAMILIAL ADENOMATOUS POLYPOSIS 1, ATTENUATED; POLYPOSIS, ADENOMATOUS INTESTINAL. Identifiers: MedGen C2713442, MONDO:0021056, OMIM 175100. Disease mechanism: loss of function.

Submissions (2):

Labcorp Genetics (formerly Invitae), Labcorp
Classification: Uncertain significance for Familial adenomatous polyposis 1. Last evaluated: 2021-12-24. Review status: criteria provided, single submitter. Criteria: Invitae Variant Classification Sherloc (09022015). Collection method: clinical testing. Allele origin: germline.
Comment: This sequence change replaces alanine, which is neutral and non-polar, with threonine, which is neutral and polar, at codon 766 of the APC protein (p.Ala766Thr). This variant is not present in population databases (gnomAD no frequency). This variant has not been reported in the literature in individuals affected with APC-related conditions. Algorithms developed to predict the effect of missense changes on protein structure and function are either unavailable or do not agree on the potential impact of this missense change (SIFT: "Deleterious"; PolyPhen-2: "Possibly Damaging"; Align-GVGD: "Class C0"). In summary, the available evidence is currently insufficient to determine the role of this variant in disease. Therefore, it has been classified as a Variant of Uncertain Significance.

Ambry Genetics
Classification: Uncertain significance for Hereditary cancer-predisposing syndrome. Last evaluated: 2019-12-30. Review status: criteria provided, single submitter. Criteria: Ambry Variant Classification Scheme 2023. Collection method: clinical testing. Allele origin: germline.
Comment: The p.A766T variant (also known as c.2296G>A), located in coding exon 15 of the APC gene, results from a G to A substitution at nucleotide position 2296. The alanine at codon 766 is replaced by threonine, an amino acid with similar properties. This amino acid position is highly conserved in available vertebrate species. In addition, in silico predictors for this gene do not accurately predict pathogenicity. Since supporting evidence is limited at this time, the clinical significance of this alteration remains unclear.

NM_000038.6(APC):c.2296G>A (p.Ala766Thr)

Gene: APC (APC regulator of Wnt signaling pathway; plus strand). Cytogenetic location: 5q22.2.
Variant type: single nucleotide variant.
Coding change: c.2296G>A on transcript NM_000038.6 (MANE Select); coding-DNA position 2296, G replaced by A.
Protein change: p.Ala766Thr; replaces alanine 766 with threonine.
Molecular consequence: missense variant.
Genome position (GRCh38, 1-based): chr5:112,837,890, G>A. VCF-style: chr5-112837890-G-A. GRCh37 (hg19) VCF-style: chr5-112173587-G-A.
Other names: c.2296G>A, p.Ala766Thr (NM_001127510.3, NM_001354895.2, NM_001407450.1); c.2242G>A, p.Ala748Thr (NM_001127511.3); c.2350G>A, p.Ala784Thr (NM_001354896.2, NM_001407447.1, NM_001407448.1 and 1 more transcripts); c.2326G>A, p.Ala776Thr (NM_001354897.2); c.2221G>A, p.Ala741Thr (NM_001354898.2); c.2212G>A, p.Ala738Thr (NM_001354899.2); c.2173G>A, p.Ala725Thr (NM_001354900.2); c.2119G>A, p.Ala707Thr (NM_001354901.2, NM_001407453.1); and 11 more; short protein forms A606T, A637T, A675T, A683T, A382T, A707T, A725T, A738T.
Identifiers: ClinVar variation 1789176 (VCV001789176.7), dbSNP rs2149865651, ClinGen allele CA16026363.
Genomic context (GRCh38, chr5:112,837,890, plus strand): 5'-GGCTCAAGCTTGCCATCTCTTCATGTTAGGAAACAAAAAGCCCTAGAAGCAGAATTAGAT[G>A]CTCAGCACTTATCAGAAACTTTTGACAATATAGACAATTTAAGTCCCAAGGCATCTCATC-3'
Protein context (NP_000029.2, residues 756-776): KQKALEAELD[Ala766Thr]QHLSETFDNI